The following is an entry in ClinVar:

NM_001297.5(CNGB1):c.1801+5G>A

Gene: CNGB1 (cyclic nucleotide gated channel subunit beta 1; minus strand). Cytogenetic location: 16q21.
Variant type: single nucleotide variant.
Coding change: c.1801+5G>A on transcript NM_001297.5 (MANE Select); 5 bases into the intron after coding-DNA position 1801, G replaced by A.
Molecular consequence: intron variant.
Genome position (GRCh38, 1-based): chr16:57,920,382, C>T on the plus strand (G>A on the coding strand, the complement: CNGB1 is on the minus strand). VCF-style: chr16-57920382-C-T. GRCh37 (hg19) VCF-style: chr16-57954286-C-T.
Other names: c.1801+5G>A (NM_001297.4); c.1783+5G>A (NM_001286130.2).
Identifiers: ClinVar variation 2193753 (VCV002193753.6), dbSNP rs375550800, ClinGen allele CA8083298.

ClinVar aggregate classification (germline): Uncertain significance. Review status: criteria provided, multiple submitters, no conflicts (2 of 4 stars). 4 submissions from 4 submitters: Uncertain significance (4). Last evaluated 2026-03-26.

Conditions:
CNGB1-related disorder. Also called: CNGB1-related condition.

Allele frequency attached by ClinVar (database versions not stated): gnomAD exomes 0.00002; ExAC 0.00004; gnomAD 0.00004; TOPMed 0.00004; ESP Exome Variant Server 0.00008.
gnomAD v4.1: 43 of 1,614,030 alleles (0.0027%); highest among the groups gnomAD compares: Non-Finnish European, 0.0035%; no homozygotes.

Submissions (4):

PreventionGenetics, part of Exact Sciences
Classification: Uncertain significance for CNGB1-related condition. Last evaluated: 2026-03-26. Review status: criteria provided, single submitter. Criteria: ACMG Guidelines, 2015. Collection method: clinical testing. Allele origin: germline.
Comment: The CNGB1 c.1801+5G>A variant is predicted to interfere with splicing. This variant is predicted to alter splicing based on available splicing prediction programs (SpliceAI, Jaganathan et al. 2019. PubMed ID: 30661751; Alamut Visual v1.6.1). However, the use of computer prediction programs is not equivalent to functional evidence. This variant has been reported in individuals with retinitis pigmentosa or retinal dystrophies along with a second CNGB1 variant, c.1187G>A, p.Arg396Gln (Table S1, Comander et al. 2017. PubMed ID: 28981474; Internal Data, PrevenetionGenetics); however, the phase of the variants was not investigated. This variant is reported in 0.0047% of alleles in individuals of European (Non-Finnish) descent in gnomAD. Although we suspect that this variant may be pathogenic, at this time, the clinical significance of this variant is uncertain due to the absence of conclusive functional and genetic evidence.

Labcorp Genetics (formerly Invitae), Labcorp
Classification: Uncertain significance. Last evaluated: 2025-07-03. Review status: criteria provided, single submitter. Criteria: Invitae Variant Classification Sherloc (09022015). Collection method: clinical testing. Allele origin: germline.
Comment: This sequence change falls in intron 19 of the CNGB1 gene. It does not directly change the encoded amino acid sequence of the CNGB1 protein. It affects a nucleotide within the consensus splice site. This variant is present in population databases (rs375550800, gnomAD 0.004%). This variant has been observed in individual(s) with retinitis pigmentosa (PMID: 28981474). ClinVar contains an entry for this variant (Variation ID: 2193753). Variants that disrupt the consensus splice site are a relatively common cause of aberrant splicing (PMID: 17576681, 9536098). Algorithms developed to predict the effect of sequence changes on RNA splicing suggest that this variant may disrupt the consensus splice site. In summary, the available evidence is currently insufficient to determine the role of this variant in disease. Therefore, it has been classified as a Variant of Uncertain Significance.

Blueprint Genetics
Classification: Uncertain significance. Last evaluated: 2024-11-25. Review status: criteria provided, single submitter. Criteria: ACMG Guidelines, 2015. Collection method: clinical testing. Allele origin: germline.

Women's Health and Genetics/Laboratory Corporation of America, LabCorp
Classification: Uncertain significance. Last evaluated: 2023-02-17. Review status: criteria provided, single submitter. Criteria: LabCorp Variant Classification Summary - May 2015. Collection method: clinical testing. Allele origin: germline.
Comment: Variant summary: CNGB1 c.1801+5G>A alters a conserved nucleotide located close to a canonical splice site and therefore could affect mRNA splicing, leading to a significantly altered protein sequence. Several computational tools predict a significant impact on normal splicing: Four predict the variant abolishes the canonical 5' splicing donor site. However, these predictions have yet to be confirmed by functional studies. The variant allele was found at a frequency of 2.4e-05 in 249446 control chromosomes (gnomAD). The available data on variant occurrences in the general population are insufficient to allow any conclusion about variant significance. c.1801+5G>A has been reported in the literature in individuals affected with Retinitis Pigmentosa (example: Comander_2017). These report(s) do not provide unequivocal conclusions about association of the variant with Retinitis Pigmentosa. To our knowledge, no experimental evidence demonstrating an impact on protein function has been reported. One clinical diagnostic laboratory has submitted clinical-significance assessments for this variant to ClinVar after 2014 and classified the variant as uncertain significance. Based on the evidence outlined above, the variant was classified as uncertain significance.

Literature cited by the submitters: PubMed 28981474 (cited by Labcorp Genetics (formerly Invitae), Labcorp and Women's Health and Genetics/Laboratory Corporation of America, LabCorp); PubMed 17576681 (cited by Labcorp Genetics (formerly Invitae), Labcorp); PubMed 9536098 (cited by Labcorp Genetics (formerly Invitae), Labcorp).